The following is an entry in ClinVar:

NM_001162383.2(ARHGEF2):c.2406G>A (p.Thr802=)

Gene: ARHGEF2 (Rho/Rac guanine nucleotide exchange factor 2; minus strand). Cytogenetic location: 1q22.
Variant type: single nucleotide variant.
Coding change: c.2406G>A on transcript NM_001162383.2 (MANE Select); coding-DNA position 2406, G replaced by A.
Protein change: p.Thr802=; no amino-acid change (threonine 802 retained).
Molecular consequence: synonymous variant.
Genome position (GRCh38, 1-based): chr1:155,951,126, C>T on the plus strand (G>A on the coding strand, the complement: ARHGEF2 is on the minus strand). VCF-style: chr1-155951126-C-T. GRCh37 (hg19) VCF-style: chr1-155920917-C-T.
Other names: c.2403G>A, p.Thr801= (NM_001162384.2); c.2325G>A, p.Thr775= (NM_001350110.2, NM_001350111.2); c.2352G>A, p.Thr784= (NM_001350112.2); c.2322G>A, p.Thr774= (NM_004723.4).
Identifiers: ClinVar variation 3057848 (VCV003057848.2), dbSNP rs769408592, ClinGen allele CA1152985.

ClinVar aggregate classification (germline): Likely benign (0 of 4 stars; one submission).

Conditions:
ARHGEF2-related disorder. Also called: ARHGEF2-related condition.

Allele frequency attached by ClinVar (database versions not stated): ExAC 0.00004; gnomAD 0.00005; TOPMed 0.00006.
gnomAD v4.1: 73 of 1,604,370 alleles (0.0046%); highest among the groups gnomAD compares: South Asian, 0.013%; no homozygotes.

Submission:

PreventionGenetics, part of Exact Sciences
Classification: Likely benign for ARHGEF2-related condition. Last evaluated: 2019-02-22. Review status: no assertion criteria provided. Collection method: clinical testing. Allele origin: germline.
Comment: This variant is classified as likely benign based on ACMG/AMP sequence variant interpretation guidelines (Richards et al. 2015 PMID: 25741868, with internal and published modifications).